The following is an entry in ClinVar:

ClinVar aggregate classification (germline): Uncertain significance (1 of 4 stars; one submission).

Submission:

GeneDx
Classification: Uncertain significance. Last evaluated: 2026-03-02. Review status: criteria provided, single submitter. Criteria: GeneDx Variant Classification Process June 2021. Collection method: clinical testing. Allele origin: germline.
Comment: Not observed at significant frequency in large population cohorts (gnomAD); In silico analysis suggests that this missense variant does not alter protein structure/function; Has not been previously published as pathogenic or benign to our knowledge; Occurs in the triple helical domain at the X position in the canonical Gly-X-Y repeat; although this variant may have an effect on normal protein folding and function, missense substitution at the X position is not a common mechanism of disease

NM_001845.6(COL4A1):c.1995C>G (p.Asp665Glu)

Gene: COL4A1 (collagen type IV alpha 1 chain; minus strand). Cytogenetic location: 13q34.
Variant type: single nucleotide variant.
Coding change: c.1995C>G on transcript NM_001845.6 (MANE Select); coding-DNA position 1995, C replaced by G.
Protein change: p.Asp665Glu; replaces aspartic acid 665 with glutamic acid.
Molecular consequence: missense variant.
Genome position (GRCh38, 1-based): chr13:110,183,093, G>C on the plus strand (C>G on the coding strand, the complement: COL4A1 is on the minus strand). VCF-style: chr13-110183093-G-C. GRCh37 (hg19) VCF-style: chr13-110835440-G-C.
Other names: short protein forms D665E.
Identifiers: ClinVar variation 4976351 (VCV004976351.1).